The following is an entry in ClinVar:

NM_133433.4(NIPBL):c.1229T>C (p.Ile410Thr)

Gene: NIPBL (NIPBL cohesin loading factor; plus strand). Cytogenetic location: 5p13.2.
Variant type: single nucleotide variant.
Coding change: c.1229T>C on transcript NM_133433.4 (MANE Select); coding-DNA position 1229, T replaced by C.
Protein change: p.Ile410Thr; replaces isoleucine 410 with threonine.
Molecular consequence: missense variant.
Genome position (GRCh38, 1-based): chr5:36,976,136, T>C. VCF-style: chr5-36976136-T-C. GRCh37 (hg19) VCF-style: chr5-36976238-T-C.
Other names: c.1229T>C, p.Ile410Thr (NM_015384.5); c.1229T>C (NM_133433.3); short protein forms I410T.
Identifiers: ClinVar variation 1701620 (VCV001701620.3), dbSNP rs546539357, ClinGen allele CA359485987.

ClinVar aggregate classification (germline): Uncertain significance. Review status: criteria provided, multiple submitters, no conflicts (2 of 4 stars). 3 submissions from 3 submitters: Uncertain significance (3). Last evaluated 2025-08-15.

Conditions:
Cornelia de Lange syndrome 1 (CDLS1). Also called: TYPUS DEGENERATIVUS AMSTELODAMENSIS; Brachmann de Lange syndrome; NIPBL-Related Cornelia de Lange Syndrome. Identifiers: Orphanet 199, MedGen C4551851, MONDO:0007387, OMIM 122470.
NIPBL-related disorder. Also called: NIPBL-related condition.

Submissions (3):

PreventionGenetics, part of Exact Sciences
Classification: Uncertain significance for NIPBL-related condition. Last evaluated: 2025-08-15. Review status: criteria provided, single submitter. Criteria: ACMG Guidelines, 2015. Collection method: clinical testing. Allele origin: germline.
Comment: The NIPBL c.1229T>C variant is predicted to result in the amino acid substitution p.Ile410Thr. To our knowledge, this variant has not been reported in the literature. This variant is reported in 0.00088% of alleles in individuals of European (Non-Finnish) descent in gnomAD. At this time, the clinical significance of this variant is uncertain due to the absence of conclusive functional and genetic evidence.

Fulgent Genetics
Classification: Uncertain significance for Cornelia de Lange syndrome 1. Last evaluated: 2024-05-10. Review status: criteria provided, single submitter. Criteria: ACMG Guidelines, 2015. Collection method: clinical testing. Allele origin: germline.

New York Genome Center
Classification: Uncertain significance for Cornelia de Lange syndrome 1. Last evaluated: 2021-09-08. Review status: criteria provided, single submitter. Criteria: NYGC Assertion Criteria 2020. Collection method: clinical testing. Allele origin: germline. Observed: 1 heterozygote. Study: CSER-NYCKidSeq.
Comment: The c.1229T>C (p.Ile410Thr) variant identified in the NIPBL gene substitutes an Isoleucine for Threonine at amino acid 410/2805 (exon 9/47). This amino acid is not very well conserved, and many mammalian species have a Valine at this position. This variant is found with low frequency in gnomAD(v2.1.1)(1 heterozygote, 0 homozygotes; allele frequency:4.0e-6) suggesting it is not a common benign variant in the populations represented in that database. In silico algorithms predict this variant to be Damaging (SIFT; score:0.002) and Benign (REVEL; score:0.287) to the function of the canonical transcript. While this variant(c.1229T>C, p.Ile410Thr) is absent from ClinVar, a different nucleotide change at the same amino acid (c.1228A>G, p.Ile410Val) is reported as a Variant of Uncertain Significance (VarID:904960). To our current knowledge, the p.Ile410Thr variant identified here has not been previously reported in affected individuals in theliterature. The p.Ile410 residue is not within a mapped domain of NIPBL (UniProkKB:Q6KC79). Given the lack of compelling evidence for its pathogenicity, the c.1229T>C (p.Ile410Thr) variant identified in the NIPBL gene is reported as a Variant of Uncertain Significance.